The following is an entry in ClinVar:

ClinVar aggregate classification (germline): Uncertain significance (1 of 4 stars; one submission).

Submission:

Labcorp Genetics (formerly Invitae), Labcorp
Classification: Uncertain significance. Last evaluated: 2024-04-02. Review status: criteria provided, single submitter. Criteria: Invitae Variant Classification Sherloc (09022015). Collection method: clinical testing. Allele origin: germline.
Comment: This sequence change replaces alanine, which is neutral and non-polar, with threonine, which is neutral and polar, at codon 40 of the NPY protein (p.Ala40Thr). This variant is not present in population databases (gnomAD no frequency). This variant has not been reported in the literature in individuals affected with NPY-related conditions. An algorithm developed to predict the effect of missense changes on protein structure and function (PolyPhen-2) suggests that this variant is likely to be disruptive. In summary, the available evidence is currently insufficient to determine the role of this variant in disease. Therefore, it has been classified as a Variant of Uncertain Significance.

NM_000905.4(NPY):c.118G>A (p.Ala40Thr)

Gene: NPY (neuropeptide Y; plus strand). Cytogenetic location: 7p15.3.
Variant type: single nucleotide variant.
Coding change: c.118G>A on transcript NM_000905.4 (MANE Select); coding-DNA position 118, G replaced by A.
Protein change: p.Ala40Thr; replaces alanine 40 with threonine.
Molecular consequence: missense variant.
Genome position (GRCh38, 1-based): chr7:24,285,358, G>A. VCF-style: chr7-24285358-G-A. GRCh37 (hg19) VCF-style: chr7-24324977-G-A.
Other names: short protein forms A40T.
Identifiers: ClinVar variation 3621548 (VCV003621548.2).
Genomic context (GRCh38, chr7:24,285,358, plus strand): 5'-GTGTGCCTGGGTGCGCTGGCCGAGGCGTACCCCTCCAAGCCGGACAACCCGGGCGAGGAC[G>A]CACCAGCGGAGGACATGGCCAGATACTACTCGGCGCTGCGACACTACATCAACCTCATCA-3'
Protein context (NP_000896.1, residues 30-50): PSKPDNPGED[Ala40Thr]PAEDMARYYS